The following is an entry in ClinVar:

NC_012920.1(MT-ATP6):m.8803A>G

Gene: MT-ATP6 (mitochondrially encoded ATP synthase 6; plus strand).
Variant type: single nucleotide variant.
Genome position: chrM-8803-A-G.
Identifiers: ClinVar variation 692989 (VCV000692989.1), dbSNP rs878853020, ClinGen allele CA414798179.

ClinVar aggregate classification (germline): Likely benign (1 of 4 stars; one submission).

Conditions:
Leigh syndrome (NULS). Also called: Leigh's necrotizing encephalopathy; Leigh's disease; Leigh Syndrome (mtDNA deletion); Leigh Disease; Subacute necrotizing encephalopathy; Necrotizing encephalopathy infantile subacute of Leigh. Identifiers: Orphanet 506, MedGen C2931891, MONDO:0009723, OMIM 256000.

Submission:

Wong Mito Lab, Molecular and Human Genetics, Baylor College of Medicine
Classification: Likely benign for Leigh syndrome. Last evaluated: 2019-10-17. Review status: criteria provided, single submitter. Criteria: Modified ACMG Guidelines (Unpublished). Collection method: clinical testing. Allele origin: germline.
Comment: The NC_012920.1:m.8803A>G (YP_003024031.1:p.Thr93Ala) variant in MTATP6 gene is interpretated to be a Likely Benign variant based on the modified ACMG guidelines (unpublished). This variant meets the following evidence codes: BS1, BP6